The following is an entry in ClinVar:

NM_001035.3(RYR2):c.13103A>G (p.Glu4368Gly)

Genes: RYR2 (ryanodine receptor 2; plus strand), LOC126806068 (BRD4-independent group 4 enhancer GRCh37_chr1:237947411-237948610; plus strand). Cytogenetic location: 1q43.
Variant type: single nucleotide variant.
Coding change: c.13103A>G on transcript NM_001035.3 (MANE Select); coding-DNA position 13103, A replaced by G.
Protein change: p.Glu4368Gly; replaces glutamic acid 4368 with glycine.
Molecular consequence: missense variant.
Genome position (GRCh38, 1-based): chr1:237,784,815, A>G. VCF-style: chr1-237784815-A-G. GRCh37 (hg19) VCF-style: chr1-237948115-A-G.
Other names: short protein forms E4368G.
Identifiers: ClinVar variation 947422 (VCV000947422.11), dbSNP rs1483523927, ClinGen allele CA345415297.

ClinVar aggregate classification (germline): Uncertain significance. Review status: criteria provided, multiple submitters, no conflicts (2 of 4 stars). 3 submissions from 3 submitters: Uncertain significance (3). Last evaluated 2025-05-06.

Conditions:
Catecholaminergic polymorphic ventricular tachycardia 1. Also called: VENTRICULAR TACHYCARDIA, CATECHOLAMINERGIC POLYMORPHIC, 1, WITH OR WITHOUT ATRIAL DYSFUNCTION AND/OR DILATED CARDIOMYOPATHY; VENTRICULAR TACHYCARDIA, STRESS-INDUCED POLYMORPHIC 1; RYR2-Related Catecholaminergic Polymorphic Ventricular Tachycardia. Identifiers: Orphanet 3286, MedGen C1631597, MONDO:0011484, OMIM 604772.
Cardiomyopathy (CMYO). Also called: Cardiomyopathies. Identifiers: Orphanet 167848, MedGen C0878544, MONDO:0004994, HP:0001638. Inheritance: Various modes of inheritance.

Allele frequency attached by ClinVar (database versions not stated): gnomAD exomes below 0.00001; TOPMed below 0.00001; gnomAD 0.00001.
gnomAD v4.1: 6 of 1,613,436 alleles (0.00037%); highest among the groups gnomAD compares: Non-Finnish European, 0.00042%; no homozygotes.

Submissions (3):

Labcorp Genetics (formerly Invitae), Labcorp
Classification: Uncertain significance for Catecholaminergic polymorphic ventricular tachycardia 1. Last evaluated: 2025-05-06. Review status: criteria provided, single submitter. Criteria: Invitae Variant Classification Sherloc (09022015). Collection method: clinical testing. Allele origin: germline.
Comment: This sequence change replaces glutamic acid, which is acidic and polar, with glycine, which is neutral and non-polar, at codon 4368 of the RYR2 protein (p.Glu4368Gly). This variant is not present in population databases (gnomAD no frequency). This variant has not been reported in the literature in individuals affected with RYR2-related conditions. ClinVar contains an entry for this variant (Variation ID: 947422). Invitae Evidence Modeling of protein sequence and biophysical properties (such as structural, functional, and spatial information, amino acid conservation, physicochemical variation, residue mobility, and thermodynamic stability) indicates that this missense variant is not expected to disrupt RYR2 protein function with a negative predictive value of 95%. In summary, the available evidence is currently insufficient to determine the role of this variant in disease. Therefore, it has been classified as a Variant of Uncertain Significance.

Color Diagnostics, LLC DBA Color Health
Classification: Uncertain significance for Cardiomyopathy. Last evaluated: 2025-02-18. Review status: criteria provided, single submitter. Criteria: ACMG Guidelines, 2015. Collection method: clinical testing. Allele origin: germline.
Comment: This missense variant replaces glutamic acid with glycine at codon 4368 of the RYR2 protein. Computational prediction suggests that this variant may not impact protein structure and function. To our knowledge, functional studies have not been reported for this variant. This variant has not been reported in individuals affected with RYR2-related disorders in the literature. This variant has not been identified in the general population by the Genome Aggregation Database (gnomAD). The available evidence is insufficient to determine the role of this variant in disease conclusively. Therefore, this variant is classified as a Variant of Uncertain Significance.

GeneDx
Classification: Uncertain significance. Last evaluated: 2023-02-07. Review status: criteria provided, single submitter. Criteria: GeneDx Variant Classification Process June 2021. Collection method: clinical testing. Allele origin: germline. Affected: yes.
Comment: Has not been previously published as pathogenic or benign to our knowledge; Not observed at significant frequency in large population cohorts (gnomAD); Located in one of the three hot-spot regions of the RYR2 gene, where the majority of pathogenic missense variants occur (Medeiros-Domingo et al., 2009); In silico analysis supports that this missense variant does not alter protein structure/function